The following is an entry in ClinVar:

NM_004588.5(SCN2B):c.236T>C (p.Met79Thr)

Gene: SCN2B (sodium voltage-gated channel beta subunit 2; minus strand). Cytogenetic location: 11q23.3.
Variant type: single nucleotide variant.
Coding change: c.236T>C on transcript NM_004588.5 (MANE Select); coding-DNA position 236, T replaced by C.
Protein change: p.Met79Thr; replaces methionine 79 with threonine.
Molecular consequence: missense variant.
Genome position (GRCh38, 1-based): chr11:118,168,586, A>G on the plus strand (T>C on the coding strand, the complement: SCN2B is on the minus strand). VCF-style: chr11-118168586-A-G. GRCh37 (hg19) VCF-style: chr11-118039301-A-G.
Other names: c.236T>C (NM_004588.4); short protein forms M79T.
Identifiers: ClinVar variation 1514438 (VCV001514438.9), dbSNP rs1192595114, ClinGen allele CA382768610.

ClinVar aggregate classification (germline): Uncertain significance. Review status: criteria provided, multiple submitters, no conflicts (2 of 4 stars). 2 submissions from 2 submitters: Uncertain significance (2). Last evaluated 2025-01-09.

Conditions:
Cardiovascular phenotype. Identifiers: MedGen CN230736.
Atrial fibrillation, familial, 14 (ATFB14). Identifiers: MedGen C3809312, MONDO:0014156, OMIM 615378.

Allele frequency attached by ClinVar (database versions not stated): gnomAD exomes below 0.00001; TOPMed below 0.00001; gnomAD 0.00001.
gnomAD v4.1: 6 of 1,614,040 alleles (0.00037%); highest among the groups gnomAD compares: Non-Finnish European, 0.00051%; no homozygotes.

Submissions (2):

Ambry Genetics
Classification: Uncertain significance for Cardiovascular phenotype. Last evaluated: 2025-01-09. Review status: criteria provided, single submitter. Criteria: Ambry Variant Classification Scheme 2023. Collection method: clinical testing. Allele origin: germline.

Labcorp Genetics (formerly Invitae), Labcorp
Classification: Uncertain significance for Atrial fibrillation, familial, 14. Last evaluated: 2022-08-09. Review status: criteria provided, single submitter. Criteria: Invitae Variant Classification Sherloc (09022015). Collection method: clinical testing. Allele origin: germline.
Comment: This variant is present in population databases (no rsID available, gnomAD 0.0009%). This sequence change replaces methionine, which is neutral and non-polar, with threonine, which is neutral and polar, at codon 79 of the SCN2B protein (p.Met79Thr). This variant has not been reported in the literature in individuals affected with SCN2B-related conditions. In summary, the available evidence is currently insufficient to determine the role of this variant in disease. Therefore, it has been classified as a Variant of Uncertain Significance. Algorithms developed to predict the effect of missense changes on protein structure and function (SIFT, PolyPhen-2, Align-GVGD) all suggest that this variant is likely to be tolerated. ClinVar contains an entry for this variant (Variation ID: 1514438).